The following is an entry in ClinVar:

ClinVar aggregate classification (germline): Conflicting classifications of pathogenicity. Review status: criteria provided, conflicting classifications (1 of 4 stars). 3 submissions from 3 submitters: Uncertain significance (2); Benign (1). Last evaluated 2026-01-11.

Conditions:
Autosomal dominant vibratory urticaria. Identifiers: Orphanet 493342, MedGen CN313132, MONDO:0007447.

Allele frequency attached by ClinVar (database versions not stated): ExAC 0.00045; ESP Exome Variant Server 0.00069.
gnomAD v4.1: 863 of 1,614,048 alleles (0.053%); highest among the groups gnomAD compares: Non-Finnish European, 0.069%; no homozygotes.

Submissions (3):

Labcorp Genetics (formerly Invitae), Labcorp
Classification: Uncertain significance. Last evaluated: 2026-01-11. Review status: criteria provided, single submitter. Criteria: Invitae Variant Classification Sherloc (09022015). Collection method: clinical testing. Allele origin: germline.
Comment: This sequence change creates a premature translational stop signal (p.Gly594*) in the ADGRE2 gene. It is expected to result in an absent or disrupted protein product. However, the current clinical and genetic evidence is not sufficient to establish whether loss-of-function variants in ADGRE2 cause disease. This variant is present in population databases (rs148074899, gnomAD 0.07%), and has an allele count higher than expected for a pathogenic variant. This variant has not been reported in the literature in individuals affected with ADGRE2-related conditions. ClinVar contains an entry for this variant (Variation ID: 1685339). In summary, the available evidence is currently insufficient to determine the role of this variant in disease. Therefore, it has been classified as a Variant of Uncertain Significance.

Department of Pathology and Laboratory Medicine, Sinai Health System
Classification: Uncertain significance for autosomal dominant vibratory urticaria. Last evaluated: 2022-10-31. Review status: criteria provided, single submitter. Criteria: ACMG Guidelines, 2015. Collection method: research. Allele origin: germline.

Mendelics
Classification: Benign. Last evaluated: 2022-05-04. Review status: criteria provided, single submitter. Criteria: Mendelics Assertion Criteria 2019. Collection method: clinical testing. Allele origin: germline.

NM_013447.4(ADGRE2):c.1780G>T (p.Gly594Ter)

Gene: ADGRE2 (adhesion G protein-coupled receptor E2; minus strand). Cytogenetic location: 19p13.12.
Variant type: single nucleotide variant.
Coding change: c.1780G>T on transcript NM_013447.4 (MANE Select); coding-DNA position 1780, G replaced by T.
Protein change: p.Gly594Ter; replaces glycine 594 with a stop codon.
Molecular consequence: nonsense.
Genome position (GRCh38, 1-based): chr19:14,752,337, C>A on the plus strand (G>T on the coding strand, the complement: ADGRE2 is on the minus strand). VCF-style: chr19-14752337-C-A. GRCh37 (hg19) VCF-style: chr19-14863149-C-A.
Other names: c.1606G>T, p.Gly536Ter (NM_001271052.1); short protein forms G536*, G594*.
Identifiers: ClinVar variation 1685339 (VCV001685339.6), dbSNP rs148074899, ClinGen allele CA9257611.